The following is an entry in ClinVar:

NM_000093.5(COL5A1):c.1630del (p.Ser544fs)

Gene: COL5A1 (collagen type V alpha 1 chain; plus strand). Cytogenetic location: 9q34.3.
Variant type: Deletion.
Coding change: c.1630del on transcript NM_000093.5 (MANE Select); coding-DNA position 1630, one base deleted (T; older notation c.1630delT).
Protein change: p.Ser544fs; shifts the reading frame from serine 544.
Molecular consequence: frameshift variant.
Genome position (GRCh38, 1-based): chr9:134,750,850, T deleted. VCF-style (leftmost placement, unchanged base first): chr9-134750849-GT-G. GRCh37 (hg19) VCF-style: chr9-137642695-GT-G.
Other names: c.1630del, p.Ser544fs (NM_001278074.1); short protein forms S544fs.
Identifiers: ClinVar variation 1402270 (VCV001402270.6), dbSNP rs2132683277, ClinGen allele CA2573144114.

ClinVar aggregate classification (germline): Pathogenic (1 of 4 stars; one submission).

Conditions:
Ehlers-Danlos syndrome, classic type, 1 (EDSCL1). Also called: EHLERS-DANLOS SYNDROME, GRAVIS TYPE; EHLERS-DANLOS SYNDROME, SEVERE CLASSIC TYPE; Ehlers-Danlos syndrome, type 1; Ehlers-Danlos Syndrome, Classic Type, COL5A1-Related; EDS I. Identifiers: MedGen C0268335, MONDO:0019567, OMIM 130000.

Submission:

Labcorp Genetics (formerly Invitae), Labcorp
Classification: Pathogenic for Ehlers-Danlos syndrome, classic type, 1. Last evaluated: 2020-11-13. Review status: criteria provided, single submitter. Criteria: Invitae Variant Classification Sherloc (09022015). Collection method: clinical testing. Allele origin: germline.
Comment: This variant is not present in population databases (ExAC no frequency). This sequence change creates a premature translational stop signal (p.Ser544Profs*14) in the COL5A1 gene. It is expected to result in an absent or disrupted protein product. Loss-of-function variants in COL5A1 are known to be pathogenic (PMID: 23587214). This variant has not been reported in the literature in individuals with COL5A1-related conditions. For these reasons, this variant has been classified as Pathogenic.

Literature cited by the submitters: PubMed 23587214.